The following is an entry in ClinVar:

ClinVar aggregate classification (germline): Conflicting classifications of pathogenicity. Review status: criteria provided, conflicting classifications (1 of 4 stars). 3 submissions from 3 submitters: Uncertain significance (2); Likely benign (1). Last evaluated 2025-09-23.

Conditions:
Inborn genetic diseases. Identifiers: MedGen C0950123, MeSH D030342.
GDF5-related disorder. Also called: GDF5 (CDMP1)-related disorder; GDF5-related condition. Identifiers: MedGen CN169990.

Allele frequency attached by ClinVar (database versions not stated): ExAC 0.00005; gnomAD 0.00013; TOPMed 0.00014; ESP Exome Variant Server 0.00015.
gnomAD v4.1: 26 of 1,614,044 alleles (0.0016%); highest among the groups gnomAD compares: African/African-American, 0.035%; no homozygotes.

Submissions (3):

Labcorp Genetics (formerly Invitae), Labcorp
Classification: Uncertain significance. Last evaluated: 2025-09-23. Review status: criteria provided, single submitter. Criteria: Invitae Variant Classification Sherloc (09022015). Collection method: clinical testing. Allele origin: germline.
Comment: This sequence change replaces proline, which is neutral and non-polar, with serine, which is neutral and polar, at codon 101 of the GDF5 protein (p.Pro101Ser). This variant is present in population databases (rs144074930, gnomAD 0.03%). This variant has not been reported in the literature in individuals affected with GDF5-related conditions. ClinVar contains an entry for this variant (Variation ID: 2209986). An algorithm developed to predict the effect of missense changes on protein structure and function outputs the following: PolyPhen-2: "Benign". The serine amino acid residue is found in multiple mammalian species, which suggests that this missense change does not adversely affect protein function. In summary, the available evidence is currently insufficient to determine the role of this variant in disease. Therefore, it has been classified as a Variant of Uncertain Significance.

PreventionGenetics, part of Exact Sciences
Classification: Uncertain significance for GDF5-related condition. Last evaluated: 2025-09-23. Review status: criteria provided, single submitter. Criteria: ACMG Guidelines, 2015. Collection method: clinical testing. Allele origin: germline.
Comment: The GDF5 c.301C>T variant is predicted to result in the amino acid substitution p.Pro101Ser. To our knowledge, this variant has not been reported in the literature. This variant is reported in 0.036% of alleles in individuals of African descent in gnomAD. Although we suspect that this variant may be benign, at this time, the clinical significance of this variant is uncertain due to the absence of conclusive functional and genetic evidence.

Ambry Genetics
Classification: Likely benign for Inborn genetic diseases. Last evaluated: 2022-09-22. Review status: criteria provided, single submitter. Criteria: Ambry Variant Classification Scheme 2023. Collection method: clinical testing. Allele origin: germline.

NM_000557.5(GDF5):c.301C>T (p.Pro101Ser)

Gene: GDF5 (growth differentiation factor 5; minus strand). Cytogenetic location: 20q11.22.
Variant type: single nucleotide variant.
Coding change: c.301C>T on transcript NM_000557.5 (MANE Select); coding-DNA position 301, C replaced by T.
Protein change: p.Pro101Ser; replaces proline 101 with serine.
Molecular consequence: missense variant.
Genome position (GRCh38, 1-based): chr20:35,437,628, G>A on the plus strand (C>T on the coding strand, the complement: GDF5 is on the minus strand). VCF-style: chr20-35437628-G-A. GRCh37 (hg19) VCF-style: chr20-34025408-G-A.
Other names: c.301C>T, p.Pro101Ser (NM_001319138.2); c.301C>T (NM_000557.4); short protein forms P101S.
Identifiers: ClinVar variation 2209986 (VCV002209986.4), dbSNP rs144074930, ClinGen allele CA9832378.